The following is an entry in ClinVar:

ClinVar aggregate classification (germline): Conflicting classifications of pathogenicity. Review status: criteria provided, conflicting classifications (1 of 4 stars). 3 submissions from 3 submitters: Uncertain significance (2); Likely benign (1). Last evaluated 2023-07-19.

Conditions:
Hereditary cancer-predisposing syndrome. Also called: Hereditary Cancer Syndrome; Tumor predisposition; Hereditary neoplastic syndrome; Neoplastic Syndromes, Hereditary. Identifiers: Orphanet 140162, MedGen C0027672, MeSH D009386, MONDO:0015356.
Hereditary breast ovarian cancer syndrome. Also called: Hereditary breast and/or ovarian cancer syndrome; Hereditary breast and ovarian cancer syndrome; Hereditary breast and ovarian cancer syndrome (HBOC); Breast and ovarian cancer; Hereditary breast and ovarian cancer; BRCA1- and BRCA2-Associated Hereditary Breast and Ovarian Cancer. Identifiers: Orphanet 145, MedGen C0677776, MeSH D061325, MONDO:0003582. Disease mechanism: loss of function.

Allele frequency attached by ClinVar (database versions not stated): gnomAD exomes below 0.00001.
gnomAD v4.1: 1 of 1,614,056 alleles (0.000062%); highest among the groups gnomAD compares: Non-Finnish European, 0.000085%; no homozygotes.

Submissions (3):

Ambry Genetics
Classification: Uncertain significance for Hereditary cancer-predisposing syndrome. Last evaluated: 2023-07-19. Review status: criteria provided, single submitter. Criteria: Ambry Variant Classification Scheme 2023. Collection method: clinical testing. Allele origin: germline.
Comment: The p.A1170T variant (also known as c.3508G>A), located in coding exon 10 of the BRCA2 gene, results from a G to A substitution at nucleotide position 3508. The alanine at codon 1170 is replaced by threonine, an amino acid with similar properties. This amino acid position is not well conserved in available vertebrate species. In addition, this alteration is predicted to be tolerated by in silico analysis. Since supporting evidence is limited at this time, the clinical significance of this alteration remains unclear.

University of Washington Department of Laboratory Medicine, University of Washington
Classification: Likely benign for Hereditary cancer-predisposing syndrome. Last evaluated: 2023-03-23. Review status: criteria provided, single submitter. Criteria: Dines et al. (Genet Med. 2020). Collection method: curation. Allele origin: germline.
Comment: Missense variant in a coldspot region where missense variants are very unlikely to be pathogenic (PMID:31911673).

BRCA2 exon 11 coldspot. Reclassification based on statistical prior probability.

Labcorp Genetics (formerly Invitae), Labcorp
Classification: Uncertain significance for Hereditary breast ovarian cancer syndrome. Last evaluated: 2021-09-29. Review status: criteria provided, single submitter. Criteria: Invitae Variant Classification Sherloc (09022015). Collection method: clinical testing. Allele origin: germline.
Comment: This sequence change replaces alanine with threonine at codon 1170 of the BRCA2 protein (p.Ala1170Thr). The alanine residue is weakly conserved and there is a small physicochemical difference between alanine and threonine. This variant is not present in population databases (ExAC no frequency). This variant has not been reported in the literature in individuals affected with BRCA2-related conditions. Advanced modeling of protein sequence and biophysical properties (such as structural, functional, and spatial information, amino acid conservation, physicochemical variation, residue mobility, and thermodynamic stability) performed at Invitae indicates that this missense variant is not expected to disrupt BRCA2 protein function. In summary, the available evidence is currently insufficient to determine the role of this variant in disease. Therefore, it has been classified as a Variant of Uncertain Significance.

NM_000059.4(BRCA2):c.3508G>A (p.Ala1170Thr)

Gene: BRCA2 (BRCA2 DNA repair associated; plus strand). Cytogenetic location: 13q13.1.
Variant type: single nucleotide variant.
Coding change: c.3508G>A on transcript NM_000059.4 (MANE Select); coding-DNA position 3508, G replaced by A.
Protein change: p.Ala1170Thr; replaces alanine 1170 with threonine.
Molecular consequence: missense variant.
Genome position (GRCh38, 1-based): chr13:32,337,863, G>A. VCF-style: chr13-32337863-G-A. GRCh37 (hg19) VCF-style: chr13-32912000-G-A.
Other names: c.3508G>A (NM_000059.3); short protein forms A1170T.
Identifiers: ClinVar variation 1044600 (VCV001044600.10), dbSNP rs2072482404, ClinGen allele CA387776992.